The following is an entry in ClinVar:

ClinVar aggregate classification (germline): Uncertain significance. Review status: criteria provided, multiple submitters, no conflicts (2 of 4 stars). 2 submissions from 2 submitters: Uncertain significance (2). Last evaluated 2026-08-12.

Conditions:
Febrile seizures, familial, 8 (FEB8). Also called: CONVULSIONS, FAMILIAL FEBRILE, 8. Identifiers: Orphanet 36387, MedGen C1969810, MONDO:0011891, OMIM 607681.
EPILEPSY, CHILDHOOD ABSENCE, SUSCEPTIBILITY TO, 2 (ECA2). Identifiers: Orphanet 64280, MedGen C1843244, OMIM 607681.

Submissions (2):

GeneDx
Classification: Uncertain significance. Last evaluated: 2026-08-12. Review status: criteria provided, single submitter. Criteria: GeneDx Variant Classification Process June 2021. Collection method: clinical testing. Allele origin: germline.
Comment: Not observed at significant frequency in large population cohorts (gnomAD); In silico analysis suggests that this missense variant does not alter protein structure/function; Has not been previously published as pathogenic or benign to our knowledge

Labcorp Genetics (formerly Invitae), Labcorp
Classification: Uncertain significance for Febrile seizures, familial, 8; EPILEPSY, CHILDHOOD ABSENCE, SUSCEPTIBILITY TO, 2. Last evaluated: 2023-02-25. Review status: criteria provided, single submitter. Criteria: Invitae Variant Classification Sherloc (09022015). Collection method: clinical testing. Allele origin: germline.
Comment: This variant has not been reported in the literature in individuals affected with GABRG2-related conditions. In summary, the available evidence is currently insufficient to determine the role of this variant in disease. Therefore, it has been classified as a Variant of Uncertain Significance. An algorithm developed to predict the effect of missense changes on protein structure and function (PolyPhen-2) suggests that this variant is likely to be disruptive. This variant is not present in population databases (gnomAD no frequency). This sequence change replaces leucine, which is neutral and non-polar, with methionine, which is neutral and non-polar, at codon 184 of the GABRG2 protein (p.Leu184Met).

NM_198904.4(GABRG2):c.550T>A (p.Leu184Met)

Gene: GABRG2 (gamma-aminobutyric acid type A receptor subunit gamma2; plus strand). Cytogenetic location: 5q34.
Variant type: single nucleotide variant.
Coding change: c.550T>A on transcript NM_198904.4 (MANE Select); coding-DNA position 550, T replaced by A.
Protein change: p.Leu184Met; replaces leucine 184 with methionine.
Molecular consequence: missense variant.
Genome position (GRCh38, 1-based): chr5:162,101,236, T>A. VCF-style: chr5-162101236-T-A. GRCh37 (hg19) VCF-style: chr5-161528242-T-A.
Other names: c.550T>A, p.Leu184Met (NM_000816.3, NM_001375340.1, NM_001375341.1 and 4 more transcripts); c.541T>A, p.Leu181Met (NM_001375339.1); c.484T>A, p.Leu162Met (NM_001375345.1, NM_001375346.1); c.463T>A, p.Leu155Met (NM_001375347.1); c.130T>A, p.Leu44Met (NM_001375348.1, NM_001375350.1); c.265T>A, p.Leu89Met (NM_001375349.1); short protein forms L181M, L184M, L44M, L89M, L155M, L162M.
Identifiers: ClinVar variation 2929363 (VCV002929363.5), dbSNP rs2532581616, ClinGen allele CA362184488.